The following is an entry in ClinVar:

NM_020919.4(ALS2):c.2542G>A (p.Ala848Thr)

Gene: ALS2 (alsin Rho guanine nucleotide exchange factor ALS2; minus strand). Cytogenetic location: 2q33.1.
Variant type: single nucleotide variant.
Coding change: c.2542G>A on transcript NM_020919.4 (MANE Select); coding-DNA position 2542, G replaced by A.
Protein change: p.Ala848Thr; replaces alanine 848 with threonine.
Molecular consequence: missense variant.
Genome position (GRCh38, 1-based): chr2:201,733,314, C>T on the plus strand (G>A on the coding strand, the complement: ALS2 is on the minus strand). VCF-style: chr2-201733314-C-T. GRCh37 (hg19) VCF-style: chr2-202598037-C-T.
Other names: c.2542G>A, p.Ala848Thr (NM_001410975.1); short protein forms A848T.
Identifiers: ClinVar variation 4739623 (VCV004739623.1).

ClinVar aggregate classification (germline): Uncertain significance (1 of 4 stars; one submission).

Conditions:
Infantile-onset ascending hereditary spastic paralysis (IAHSP). Also called: Infantile-Onset Ascending Hereditary Spastic Paralysis (IAHSP); Autosomal Recessive Juvenile Amyotrophic Lateral Sclerosis. Identifiers: Orphanet 293168, MedGen C2931441, MONDO:0011797, OMIM 607225. Disease mechanism: loss of function.

gnomAD v4.1: 32 of 1,613,756 alleles (0.002%); highest among the groups gnomAD compares: African/African-American, 0.008%; no homozygotes.

Submission:

Labcorp Genetics (formerly Invitae), Labcorp
Classification: Uncertain significance for Infantile-onset ascending hereditary spastic paralysis. Last evaluated: 2025-10-29. Review status: criteria provided, single submitter. Criteria: Invitae Variant Classification Sherloc (09022015). Collection method: clinical testing. Allele origin: germline.
Comment: This sequence change replaces alanine, which is neutral and non-polar, with threonine, which is neutral and polar, at codon 848 of the ALS2 protein (p.Ala848Thr). This variant is present in population databases (rs555276199, gnomAD 0.01%). This missense change has been observed in individual(s) with amyotrophic lateral sclerosis (PMID: 26601740). Invitae Evidence Modeling of protein sequence and biophysical properties (such as structural, functional, and spatial information, amino acid conservation, physicochemical variation, residue mobility, and thermodynamic stability) indicates that this missense variant is not expected to disrupt ALS2 protein function with a negative predictive value of 80%. In summary, the available evidence is currently insufficient to determine the role of this variant in disease. Therefore, it has been classified as a Variant of Uncertain Significance.

Literature cited by the submitters: PubMed 26601740.